The following is an entry in ClinVar:

NM_145262.4(GLYCTK):c.457C>T (p.Arg153Trp)

Gene: GLYCTK (glycerate kinase; plus strand). Cytogenetic location: 3p21.2.
Variant type: single nucleotide variant.
Coding change: c.457C>T on transcript NM_145262.4 (MANE Select); coding-DNA position 457, C replaced by T.
Protein change: p.Arg153Trp; replaces arginine 153 with tryptophan.
Molecular consequence: missense variant. On other transcripts: non-coding transcript variant (4).
Genome position (GRCh38, 1-based): chr3:52,291,039, C>T. VCF-style: chr3-52291039-C-T. GRCh37 (hg19) VCF-style: chr3-52325055-C-T.
Other names: c.457C>T, p.Arg153Trp (NM_001144951.2); short protein forms R153W.
Identifiers: ClinVar variation 522974 (VCV000522974.38), dbSNP rs199906865, ClinGen allele CA2432088.

ClinVar aggregate classification (germline): Conflicting classifications of pathogenicity. Review status: criteria provided, conflicting classifications (1 of 4 stars). 3 submissions from 3 submitters: Uncertain significance (1); Likely benign (2). Last evaluated 2026-07-01.

Conditions:
D-Glyceric aciduria. Also called: GLYCERATE KINASE DEFICIENCY; Deficiency of glycerate kinase. Identifiers: Orphanet 941, MedGen C0342765, MONDO:0009070, OMIM 220120.

Allele frequency attached by ClinVar (database versions not stated): gnomAD 0.00009 and 0.00019; TOPMed 0.00014; gnomAD exomes 0.00043 and 0.00081; ExAC 0.00082; 1000 Genomes Project 30x 0.00094; 1000 Genomes Project 0.00100.
gnomAD v4.1: 653 of 1,613,664 alleles (0.04%); highest among the groups gnomAD compares: South Asian, 0.62%; 11 homozygotes.

Submissions (3):

CeGaT Center for Human Genetics Tuebingen
Classification: Likely benign. Last evaluated: 2026-07-01. Review status: criteria provided, single submitter. Criteria: CeGaT Center For Human Genetics Tuebingen Variant Classification Criteria Version 2. Collection method: clinical testing. Allele origin: germline. Affected: yes. Observed: 4 variant alleles.
Comment: GLYCTK: BP4

Labcorp Genetics (formerly Invitae), Labcorp
Classification: Likely benign. Last evaluated: 2025-11-20. Review status: criteria provided, single submitter. Criteria: Invitae Variant Classification Sherloc (09022015). Collection method: clinical testing. Allele origin: germline.

Genomic Research Center, Shahid Beheshti University of Medical Sciences
Classification: Uncertain significance for D-Glyceric aciduria. Last evaluated: 2017-12-18. Review status: criteria provided, single submitter. Criteria: ACMG Guidelines, 2015. Collection method: clinical testing. Allele origin: inherited. Affected: yes.